The following is an entry in ClinVar:

NM_153365.3(TAPT1):c.706_708del (p.Ile236del)

Gene: TAPT1 (transmembrane anterior posterior transformation 1; minus strand). Cytogenetic location: 4p15.32.
Variant type: Deletion.
Coding change: c.706_708del on transcript NM_153365.3 (MANE Select); coding-DNA positions 706 to 708, 3 bases deleted (ATT; older notation c.706_708delATT).
Protein change: p.Ile236del; deletes isoleucine 236.
Molecular consequence: inframe deletion.
Genome position (GRCh38, 1-based): chr4:16,188,260-16,188,262, AAT deleted on the plus strand (ATT on the coding strand, the reverse complement: TAPT1 is on the minus strand). VCF-style (leftmost placement, unchanged base first): chr4-16188259-CAAT-C. GRCh37 (hg19) VCF-style: chr4-16189882-CAAT-C.
Other names: short protein forms I236del.
Identifiers: ClinVar variation 1370040 (VCV001370040.5), dbSNP rs748729985, ClinGen allele CA2867470.

ClinVar aggregate classification (germline): Uncertain significance (1 of 4 stars; one submission).

Allele frequency attached by ClinVar (database versions not stated): ExAC 0.00004; gnomAD exomes 0.00005 and 0.00014; gnomAD 0.00006 and 0.00007; TOPMed 0.00007.

Submission:

Labcorp Genetics (formerly Invitae), Labcorp
Classification: Uncertain significance. Last evaluated: 2022-10-20. Review status: criteria provided, single submitter. Criteria: Invitae Variant Classification Sherloc (09022015). Collection method: clinical testing. Allele origin: germline.
Comment: This variant, c.706_708del, results in the deletion of 1 amino acid(s) of the TAPT1 protein (p.Ile236del), but otherwise preserves the integrity of the reading frame. This variant is present in population databases (rs748729985, gnomAD 0.01%). This variant has not been reported in the literature in individuals affected with TAPT1-related conditions. ClinVar contains an entry for this variant (Variation ID: 1370040). Experimental studies and prediction algorithms are not available or were not evaluated, and the functional significance of this variant is currently unknown. In summary, the available evidence is currently insufficient to determine the role of this variant in disease. Therefore, it has been classified as a Variant of Uncertain Significance.